The following is an entry in ClinVar:

ClinVar aggregate classification (germline): Pathogenic. Review status: criteria provided, multiple submitters, no conflicts (2 of 4 stars). 7 submissions from 7 submitters: Pathogenic (6). 1 of the submissions does not count toward it. Last evaluated 2026-01-17.

Conditions:
Congenital myasthenic syndrome 10. Also called: Myasthenia, limb-girdle, familial. Identifiers: Orphanet 590, MedGen C1850792, MONDO:0009690, OMIM 254300.
Fetal akinesia deformation sequence 3. Identifiers: MedGen C4760599, MONDO:0100103, OMIM 618389.
Fetal akinesia deformation sequence 1 (FADS1). Also called: Fetal akinesia sequence; Pena-Shokeir syndrome type I. Identifiers: Orphanet 994, MedGen C1276035, MONDO:0100101, OMIM 208150, HP:0001989.

Submissions (7):

Labcorp Genetics (formerly Invitae), Labcorp
Classification: Pathogenic for Congenital myasthenic syndrome 10; Fetal akinesia deformation sequence 1. Last evaluated: 2026-01-17. Review status: criteria provided, single submitter. Criteria: Invitae Variant Classification Sherloc (09022015). Collection method: clinical testing. Allele origin: germline.
Comment: This sequence change creates a premature translational stop signal (p.Gly448Alafs*72) in the DOK7 gene. While this is not anticipated to result in nonsense mediated decay, it is expected to disrupt the last 57 amino acid(s) of the DOK7 protein. This variant is present in population databases (rs606231131, gnomAD 0.003%). This premature translational stop signal has been observed in individual(s) with congenital myasthenic syndrome (CMS) (PMID: 16917026, 17452375, 19837590, 20458068, 20554332, 22661499; internal data). In at least one individual the data is consistent with being in trans (on the opposite chromosome) from a pathogenic variant. ClinVar contains an entry for this variant (Variation ID: 1276). For these reasons, this variant has been classified as Pathogenic.

Fulgent Genetics
Classification: Pathogenic for Congenital myasthenic syndrome 10; Fetal akinesia deformation sequence 3. Last evaluated: 2024-04-09. Review status: criteria provided, single submitter. Criteria: ACMG Guidelines, 2015. Collection method: clinical testing. Allele origin: germline.

Baylor Genetics
Classification: Pathogenic for Fetal akinesia deformation sequence 3. Last evaluated: 2024-03-27. Review status: criteria provided, single submitter. Criteria: ACMG Guidelines, 2015. Collection method: clinical testing. Allele origin: unknown.

Revvity Omics, Revvity
Classification: Pathogenic. Last evaluated: 2023-06-08. Review status: criteria provided, single submitter. Criteria: ACMG Guidelines, 2015. Collection method: clinical testing. Allele origin: germline.

GeneDx
Classification: Pathogenic. Last evaluated: 2020-09-17. Review status: criteria provided, single submitter. Criteria: GeneDx Variant Classification Process June 2021. Collection method: clinical testing. Allele origin: germline. Affected: yes.
Comment: Frameshift variant predicted to result in protein truncation, as the last 57 amino acids are replaced with 71 different amino acids, and other loss-of-function variants have been reported downstream in the Human Gene Mutation Database (Stenson et al., 2014); Not observed at a significant frequency in large population cohorts (Lek et al., 2016); This variant is associated with the following publications: (PMID: 16917026, 22661499, 20554332, 20458068, 19837590, 17452375)

Athena Diagnostics
Classification: Pathogenic. Last evaluated: 2017-04-14. Review status: criteria provided, single submitter. Criteria: Athena Diagnostics Criteria. Collection method: clinical testing. Allele origin: germline.

OMIM
Classification: Pathogenic for MYASTHENIC SYNDROME, CONGENITAL, 10. Last evaluated: 2006-09-29. Review status: no assertion criteria provided. Collection method: literature only. Allele origin: germline. Not counted in ClinVar's aggregate classification.

Literature cited by the submitters: PubMed 16917026 (cited by 3 submitters); PubMed 17452375 (cited by Labcorp Genetics (formerly Invitae), Labcorp and Athena Diagnostics); PubMed 19837590 (cited by Labcorp Genetics (formerly Invitae), Labcorp and Athena Diagnostics); PubMed 20458068 (cited by Labcorp Genetics (formerly Invitae), Labcorp and Athena Diagnostics); PubMed 20554332 (cited by Labcorp Genetics (formerly Invitae), Labcorp and Athena Diagnostics); PubMed 22661499 (cited by Labcorp Genetics (formerly Invitae), Labcorp and Athena Diagnostics).

NM_173660.5(DOK7):c.1339_1342dup (p.Gly448fs)

Gene: DOK7 (docking protein 7; plus strand). Cytogenetic location: 4p16.3.
Variant type: Microsatellite.
Coding change: c.1339_1342dup on transcript NM_173660.5 (MANE Select); coding-DNA positions 1339 to 1342, 4 bases duplicated (CTGG; older notation c.1339_1342dupCTGG).
Protein change: p.Gly448fs; shifts the reading frame from glycine 448.
Molecular consequence: frameshift variant. On other transcripts: 3 prime UTR variant (1).
Genome position (GRCh38, 1-based): chr4:3,493,325-3,493,328, CTGG duplicated; duplicating any 4 consecutive bases within chr4:3,493,317-3,493,328 gives the same sequence; the c. name uses the placement nearest the transcript's 3' end. VCF-style (leftmost placement, unchanged base first): chr4-3493316-T-TCTGG. GRCh37 (hg19) VCF-style: chr4-3495043-T-TCTGG.
Other names: c.1339_1342dup (NM_173660.4); c.*552CTGG[4] (NM_001164673.2); c.409_412dup, p.Gly138fs (NM_001256896.2); c.1339_1342dup, p.Gly448fs (NM_001301071.2); c.907_910dup, p.Gly304fs (NM_001363811.2); short protein forms G448fs, G304fs, G138fs.
Identifiers: ClinVar variation 1276 (VCV000001276.19), dbSNP rs606231131, ClinGen allele CA251736.